The following is an entry in ClinVar:

ClinVar aggregate classification (germline): Uncertain significance (1 of 4 stars; one submission).

Conditions:
Cranium bifidum occultum. Also called: Enlarged Parietal Foramina; CATLIN MARKS; CRANIUM BIFIDUM, HEREDITARY. Identifiers: MedGen C1868598, HP:0004423.

Submission:

Labcorp Genetics (formerly Invitae), Labcorp
Classification: Uncertain significance for Cranium bifidum occultum. Last evaluated: 2024-07-27. Review status: criteria provided, single submitter. Criteria: Invitae Variant Classification Sherloc (09022015). Collection method: clinical testing. Allele origin: germline.
Comment: This sequence change creates a premature translational stop signal (p.Glu158*) in the MSX2 gene. While this is not anticipated to result in nonsense mediated decay, it is expected to disrupt the last 110 amino acid(s) of the MSX2 protein. This variant is not present in population databases (gnomAD no frequency). This variant has not been reported in the literature in individuals affected with MSX2-related conditions. Experimental studies and prediction algorithms are not available or were not evaluated, and the functional significance of this variant is currently unknown. In summary, the available evidence is currently insufficient to determine the role of this variant in disease. Therefore, it has been classified as a Variant of Uncertain Significance.

NM_002449.5(MSX2):c.472G>T (p.Glu158Ter)

Gene: MSX2 (msh homeobox 2; plus strand). Cytogenetic location: 5q35.2.
Variant type: single nucleotide variant.
Coding change: c.472G>T on transcript NM_002449.5 (MANE Select); coding-DNA position 472, G replaced by T.
Protein change: p.Glu158Ter; replaces glutamic acid 158 with a stop codon.
Molecular consequence: nonsense. On other transcripts: 3 prime UTR variant (1).
Genome position (GRCh38, 1-based): chr5:174,729,251, G>T. VCF-style: chr5-174729251-G-T. GRCh37 (hg19) VCF-style: chr5-174156254-G-T.
Other names: c.*96G>T (NM_001363626.2); short protein forms E158*.
Identifiers: ClinVar variation 3653506 (VCV003653506.2).